The following is an entry in ClinVar:

ClinVar aggregate classification (germline): Uncertain significance. Review status: criteria provided, multiple submitters, no conflicts (2 of 4 stars). 4 submissions from 4 submitters: Uncertain significance (4). Last evaluated 2025-10-22.

Conditions:
Hereditary cancer-predisposing syndrome. Also called: Hereditary neoplastic syndrome; Hereditary Cancer Syndrome; Neoplastic Syndromes, Hereditary; Tumor predisposition. Identifiers: Orphanet 140162, MedGen C0027672, MeSH D009386, MONDO:0015356.
Familial adenomatous polyposis 1 (FAP1). Also called: FAMILIAL ADENOMATOUS POLYPOSIS 1, ATTENUATED; POLYPOSIS, ADENOMATOUS INTESTINAL. Identifiers: MedGen C2713442, MONDO:0021056, OMIM 175100. Disease mechanism: loss of function.

gnomAD v4.1: 7 of 1,613,926 alleles (0.00043%); highest among the groups gnomAD compares: Non-Finnish European, 0.00059%; no homozygotes.

Submissions (4):

Ambry Genetics
Classification: Uncertain significance for Hereditary cancer-predisposing syndrome. Last evaluated: 2025-10-22. Review status: criteria provided, single submitter. Criteria: Ambry Variant Classification Scheme 2023. Collection method: clinical testing. Allele origin: germline.
Comment: The p.T2379I variant (also known as c.7136C>T), located in coding exon 15 of the APC gene, results from a C to T substitution at nucleotide position 7136. The threonine at codon 2379 is replaced by isoleucine, an amino acid with similar properties. Missense variants in APC are not a common cause of disease (Spier I et al. Genet Med. 2024 Feb;26(2):100992). This amino acid position is not well conserved in available vertebrate species. In addition, in silico predictors for this gene do not accurately predict pathogenicity. Based on the available evidence, the clinical significance of this variant remains unclear.

Molecular Pathology, Peter Maccallum Cancer Centre
Classification: Uncertain significance for Familial adenomatous polyposis 1. Last evaluated: 2025-03-28. Review status: criteria provided, single submitter. Criteria: ACMG Guidelines, 2015. Collection method: clinical testing. Allele origin: germline. Inheritance: Autosomal dominant inheritance.

Labcorp Genetics (formerly Invitae), Labcorp
Classification: Uncertain significance for Familial adenomatous polyposis 1. Last evaluated: 2024-11-13. Review status: criteria provided, single submitter. Criteria: Invitae Variant Classification Sherloc (09022015). Collection method: clinical testing. Allele origin: germline.
Comment: This sequence change replaces threonine, which is neutral and polar, with isoleucine, which is neutral and non-polar, at codon 2379 of the APC protein (p.Thr2379Ile). This variant is present in population databases (no rsID available, gnomAD 0.0009%). This variant has not been reported in the literature in individuals affected with APC-related conditions. ClinVar contains an entry for this variant (Variation ID: 236641). Invitae Evidence Modeling of protein sequence and biophysical properties (such as structural, functional, and spatial information, amino acid conservation, physicochemical variation, residue mobility, and thermodynamic stability) indicates that this missense variant is not expected to disrupt APC protein function with a negative predictive value of 95%. In summary, the available evidence is currently insufficient to determine the role of this variant in disease. Therefore, it has been classified as a Variant of Uncertain Significance.

Color Diagnostics, LLC DBA Color Health
Classification: Uncertain significance for Hereditary cancer-predisposing syndrome. Last evaluated: 2024-04-29. Review status: criteria provided, single submitter. Criteria: ACMG Guidelines, 2015. Collection method: clinical testing. Allele origin: germline.
Comment: This missense variant replaces threonine with isoleucine at codon 2379 of the APC protein. Computational prediction suggests that this variant may not impact protein structure and function (internally defined REVEL score threshold <= 0.5, PMID: 27666373). To our knowledge, functional studies have not been reported for this variant. This variant has not been reported in individuals affected with APC-related disorders in the literature. This variant has been identified in 1/250136 chromosomes in the general population by the Genome Aggregation Database (gnomAD). The available evidence is insufficient to determine the role of this variant in disease conclusively. Therefore, this variant is classified as a Variant of Uncertain Significance.

NM_000038.6(APC):c.7136C>T (p.Thr2379Ile)

Gene: APC (APC regulator of Wnt signaling pathway; plus strand). Cytogenetic location: 5q22.2.
Variant type: single nucleotide variant.
Coding change: c.7136C>T on transcript NM_000038.6 (MANE Select); coding-DNA position 7136, C replaced by T.
Protein change: p.Thr2379Ile; replaces threonine 2379 with isoleucine.
Molecular consequence: missense variant.
Genome position (GRCh38, 1-based): chr5:112,842,730, C>T. VCF-style: chr5-112842730-C-T. GRCh37 (hg19) VCF-style: chr5-112178427-C-T.
Other names: c.7136C>T, p.Thr2379Ile (NM_001127510.3, NM_001354895.2); c.7082C>T, p.Thr2361Ile (NM_001127511.3); c.7190C>T, p.Thr2397Ile (NM_001354896.2); c.7166C>T, p.Thr2389Ile (NM_001354897.2); c.7061C>T, p.Thr2354Ile (NM_001354898.2); c.7052C>T, p.Thr2351Ile (NM_001354899.2); c.7013C>T, p.Thr2338Ile (NM_001354900.2); c.6959C>T, p.Thr2320Ile (NM_001354901.2); and 5 more; short protein forms T2361I, T2379I, T2278I, T2288I, T2338I, T2397I, T2096I, T2253I.
Identifiers: ClinVar variation 236641 (VCV000236641.19), dbSNP rs767691072, ClinGen allele CA10582339.